The following is an entry in ClinVar:

NM_004172.5(SLC1A3):c.1154G>A (p.Arg385His)

Genes: SLC1A3-AS1 (SLC1A3 antisense RNA 1; minus strand), SLC1A3 (solute carrier family 1 member 3; plus strand). Cytogenetic location: 5p13.2.
Variant type: single nucleotide variant.
Coding change: c.1154G>A on transcript NM_004172.5 (MANE Select); coding-DNA position 1154, G replaced by A.
Protein change: p.Arg385His; replaces arginine 385 with histidine.
Molecular consequence: missense variant.
Genome position (GRCh38, 1-based): chr5:36,680,454, G>A. VCF-style: chr5-36680454-G-A. GRCh37 (hg19) VCF-style: chr5-36680556-G-A.
Other names: c.1154G>A, p.Arg385His (NM_001166695.3); c.1016G>A, p.Arg339His (NM_001289939.2); c.818G>A, p.Arg273His (NM_001289940.2); short protein forms R385H, R273H, R339H.
Identifiers: ClinVar variation 353321 (VCV000353321.16), dbSNP rs115702388, ClinGen allele CA3235618.
Genomic context (GRCh38, chr5:36,680,454, plus strand): 5'-GTTCTGCCACCCTACCCATCACCTTCAAGTGCCTGGAAGAGAACAATGGCGTGGACAAGC[G>A]CGTCACCAGATTCGTGCTCCCCGTAGGAGCCACCATTAACATGGATGGGACTGCCCTCTA-3'
Protein context (NP_004163.3, residues 375-395): CLEENNGVDK[Arg385His]VTRFVLPVGA

ClinVar aggregate classification (germline): Benign/Likely benign. Review status: criteria provided, multiple submitters, no conflicts (2 of 4 stars). 4 submissions from 4 submitters: Benign (3); Likely benign (1). Last evaluated 2025-12-25.

Conditions:
Episodic ataxia type 6. Identifiers: Orphanet 209967, MedGen C2675211, MONDO:0012982, OMIM 612656.
Spastic ataxia. Identifiers: Orphanet 316226, MedGen C1849156, MONDO:0017845, HP:0002497.

Allele frequency attached by ClinVar (database versions not stated): gnomAD exomes 0.00019; ExAC 0.00024; gnomAD 0.00056 and 0.00058; TOPMed 0.00059; ESP Exome Variant Server 0.00092; 1000 Genomes Project 30x 0.00094; 1000 Genomes Project 0.00100.

Submissions (4):

Labcorp Genetics (formerly Invitae), Labcorp
Classification: Likely benign. Last evaluated: 2025-12-25. Review status: criteria provided, single submitter. Criteria: Invitae Variant Classification Sherloc (09022015). Collection method: clinical testing. Allele origin: germline.

Molecular Medicine for Neurodegenerative and Neuromuscular Diseases Unit, IRCCS Fondazione Stella Maris
Classification: Benign for Spastic ataxia. Last evaluated: 2021-07-12. Review status: criteria provided, single submitter. Criteria: ACMG Guidelines, 2015. Collection method: research. Allele origin: unknown. Affected: yes.

Athena Diagnostics
Classification: Benign. Last evaluated: 2018-05-14. Review status: criteria provided, single submitter. Criteria: Athena Diagnostics Criteria. Collection method: clinical testing. Allele origin: germline.

Illumina Laboratory Services, Illumina
Classification: Benign for Episodic ataxia type 6. Last evaluated: 2018-01-12. Review status: criteria provided, single submitter. Criteria: ICSL Variant Classification Criteria 13 December 2019. Collection method: clinical testing. Allele origin: germline.
Comment: This variant was observed in the ICSL laboratory as part of a predisposition screen in an ostensibly healthy population. It had not been previously curated by ICSL or reported in the Human Gene Mutation Database (HGMD: prior to June 1st, 2018), and was therefore a candidate for classification through an automated scoring system. Utilizing variant allele frequency, disease prevalence and penetrance estimates, and inheritance mode, an automated score was calculated to assess if this variant is too frequent to cause the disease. Based on the score and internal cut-off values, a variant classified as benign is not then subjected to further curation. The score for this variant resulted in a classification of benign for this disease.